The following is an entry in ClinVar:

NM_017514.5(PLXNA3):c.2043+8G>A

Gene: PLXNA3 (plexin A3; plus strand). Cytogenetic location: Xq28.
Variant type: single nucleotide variant.
Coding change: c.2043+8G>A on transcript NM_017514.5 (MANE Select); 8 bases into the intron after coding-DNA position 2043, G replaced by A.
Molecular consequence: intron variant.
Genome position (GRCh38, 1-based): chrX:154,464,876, G>A. VCF-style: chrX-154464876-G-A. GRCh37 (hg19) VCF-style: chrX-153693219-G-A.
Other names: c.2043+8G>A (NM_017514.4).
Identifiers: ClinVar variation 2661835 (VCV002661835.25), dbSNP rs368907905, ClinGen allele CA10564250.

ClinVar aggregate classification (germline): Likely benign. Review status: criteria provided, single submitter (1 of 4 stars). 2 submissions from 2 submitters: Likely benign (1). 1 of the submissions does not count toward it. Last evaluated 2022-05-01.

Conditions:
PLXNA3-related disorder. Also called: PLXNA3-related condition.

Allele frequency attached by ClinVar (database versions not stated): gnomAD exomes 0.00006; gnomAD 0.00031; TOPMed 0.00036; ExAC 0.00043; ESP Exome Variant Server 0.00047.
gnomAD v4.1: 93 of 1,155,415 alleles (0.008%); highest among the groups gnomAD compares: African/African-American, 0.1%; no homozygotes.

Submissions (2):

CeGaT Center for Human Genetics Tuebingen
Classification: Likely benign. Last evaluated: 2022-05-01. Review status: criteria provided, single submitter. Criteria: CeGaT Center For Human Genetics Tuebingen Variant Classification Criteria Version 2. Collection method: clinical testing. Allele origin: germline. Affected: yes. Observed: 1 variant allele.
Comment: PLXNA3: BP4

PreventionGenetics, part of Exact Sciences
Classification: Likely benign for PLXNA3-related condition. Last evaluated: 2022-02-23. Review status: no assertion criteria provided. Collection method: clinical testing. Allele origin: germline. Not counted in ClinVar's aggregate classification.
Comment: This variant is classified as likely benign based on ACMG/AMP sequence variant interpretation guidelines (Richards et al. 2015 PMID: 25741868, with internal and published modifications).